The following is an entry in ClinVar:

NM_001041.4(SI):c.4873T>G (p.Phe1625Val)

Gene: SI (sucrase-isomaltase; minus strand). Cytogenetic location: 3q26.1.
Variant type: single nucleotide variant.
Coding change: c.4873T>G on transcript NM_001041.4 (MANE Select); coding-DNA position 4873, T replaced by G.
Protein change: p.Phe1625Val; replaces phenylalanine 1625 with valine.
Molecular consequence: missense variant.
Genome position (GRCh38, 1-based): chr3:164,992,366, A>C on the plus strand (T>G on the coding strand, the complement: SI is on the minus strand). VCF-style: chr3-164992366-A-C. GRCh37 (hg19) VCF-style: chr3-164710154-A-C.
Other names: short protein forms F1625V.
Identifiers: ClinVar variation 344004 (VCV000344004.9), dbSNP rs149414344, ClinGen allele CA2689755.

ClinVar aggregate classification (germline): Uncertain significance. Review status: criteria provided, multiple submitters, no conflicts (2 of 4 stars). 3 submissions from 3 submitters: Uncertain significance (3). Last evaluated 2024-02-13.

Conditions:
Sucrase-isomaltase deficiency (CSID). Also called: SI DEFICIENCY; Deficiency of isomaltase; Congenital sucrose isomaltose malabsorption; Sucrose isomaltose enzyme deficiency. Identifiers: Orphanet 35122, MedGen C1283620, MONDO:0009114, OMIM 222900.

Allele frequency attached by ClinVar (database versions not stated): gnomAD exomes 0.00001 and 0.00003; ExAC 0.00003; TOPMed 0.00005; gnomAD 0.00006; ESP Exome Variant Server 0.00015; 1000 Genomes Project 0.00040; 1000 Genomes Project 30x 0.00047.
gnomAD v4.1: 47 of 1,613,090 alleles (0.0029%); highest among the groups gnomAD compares: Admixed American, 0.0067%; no homozygotes.

Submissions (3):

Fulgent Genetics
Classification: Uncertain significance for Sucrase-isomaltase deficiency. Last evaluated: 2024-02-13. Review status: criteria provided, single submitter. Criteria: ACMG Guidelines, 2015. Collection method: clinical testing. Allele origin: germline.

Labcorp Genetics (formerly Invitae), Labcorp
Classification: Uncertain significance. Last evaluated: 2022-09-19. Review status: criteria provided, single submitter. Criteria: Invitae Variant Classification Sherloc (09022015). Collection method: clinical testing. Allele origin: germline.
Comment: This sequence change replaces phenylalanine, which is neutral and non-polar, with valine, which is neutral and non-polar, at codon 1625 of the SI protein (p.Phe1625Val). This variant is present in population databases (rs149414344, gnomAD 0.003%). This missense change has been observed in individual(s) with inflammatory bowel disease (PMID: 29408290). ClinVar contains an entry for this variant (Variation ID: 344004). Algorithms developed to predict the effect of missense changes on protein structure and function (SIFT, PolyPhen-2, Align-GVGD) all suggest that this variant is likely to be tolerated. In summary, the available evidence is currently insufficient to determine the role of this variant in disease. Therefore, it has been classified as a Variant of Uncertain Significance.

Illumina Laboratory Services, Illumina
Classification: Uncertain significance for Sucrase-isomaltase deficiency. Last evaluated: 2018-01-12. Review status: criteria provided, single submitter. Criteria: ICSL Variant Classification Criteria 13 December 2019. Collection method: clinical testing. Allele origin: germline.

Literature cited by the submitters: PubMed 29408290 (cited by Labcorp Genetics (formerly Invitae), Labcorp).